The following is an entry in ClinVar:

ClinVar aggregate classification (germline): Pathogenic (1 of 4 stars; one submission).

Submission:

Labcorp Genetics (formerly Invitae), Labcorp
Classification: Pathogenic. Last evaluated: 2023-08-03. Review status: criteria provided, single submitter. Criteria: Invitae Variant Classification Sherloc (09022015). Collection method: clinical testing. Allele origin: germline.
Comment: This variant is not present in population databases (gnomAD no frequency). For these reasons, this variant has been classified as Pathogenic. This variant has not been reported in the literature in individuals affected with RUSC2-related conditions. This sequence change creates a premature translational stop signal (p.Asp1350Thrfs*7) in the RUSC2 gene. It is expected to result in an absent or disrupted protein product. Loss-of-function variants in RUSC2 are known to be pathogenic (PMID: 27612186).

Literature cited by the submitters: PubMed 27612186.

NM_014806.5(RUSC2):c.4047del (p.Asp1350fs)

Gene: RUSC2 (RUN and SH3 domain containing 2; plus strand). Cytogenetic location: 9p13.3.
Variant type: Deletion.
Coding change: c.4047del on transcript NM_014806.5 (MANE Select); coding-DNA position 4047, one base deleted (T; older notation c.4047delT).
Protein change: p.Asp1350fs; shifts the reading frame from aspartic acid 1350.
Molecular consequence: frameshift variant. On other transcripts: non-coding transcript variant (1).
Genome position (GRCh38, 1-based): chr9:35,560,687, T deleted. VCF-style (leftmost placement, unchanged base first): chr9-35560686-CT-C. GRCh37 (hg19) VCF-style: chr9-35560683-CT-C.
Other names: c.4047del, p.Asp1350fs (NM_001135999.2); c.1413del, p.Asp472fs (NM_001330740.2); short protein forms D1350fs, D472fs.
Identifiers: ClinVar variation 2992532 (VCV002992532.3), dbSNP rs2490418074, ClinGen allele CA2740095464.